The following is an entry in ClinVar:

NM_000179.3(MSH6):c.4001G>A (p.Arg1334Gln)

Gene: MSH6 (mutS homolog 6; plus strand). Cytogenetic location: 2p16.3.
Variant type: single nucleotide variant.
Coding change: c.4001G>A on transcript NM_000179.3 (MANE Select); coding-DNA position 4001, G replaced by A.
Protein change: p.Arg1334Gln; replaces arginine 1334 with glutamine.
Molecular consequence: missense variant.
Genome position (GRCh38, 1-based): chr2:47,806,651, G>A. VCF-style: chr2-47806651-G-A. GRCh37 (hg19) VCF-style: chr2-48033790-G-A.
Other names: p.R1334Q:CGG>CAG; c.3611G>A, p.Arg1204Gln (NM_001281492.2); c.3095G>A, p.Arg1032Gln (NM_001281493.2, NM_001281494.2); short protein forms R1334Q, R1204Q, R1032Q.
Identifiers: ClinVar variation 89506 (VCV000089506.55), dbSNP rs267608122, ClinGen allele CA015202.
Genomic context (GRCh38, chr2:47,806,651, plus strand): 5'-AAAAGGGACATAGAAAAGCAAGAGAATTTGAGAAGATGAATCAGTCACTACGATTATTTC[G>A]GTAACTAACTAACTATAATGGAATTATAACTAACTGACCTTAAGTTTCAAAGAAACAGTA-3'
Protein context (NP_000170.1, residues 1324-1344): EKMNQSLRLF[Arg1334Gln]EVCLASERST

ClinVar aggregate classification (germline): Pathogenic. Review status: reviewed by expert panel (3 of 4 stars). 21 submissions from 21 submitters: Pathogenic (1). 20 of the submissions do not count toward it. Last evaluated 2013-09-05.

Conditions:
Hereditary nonpolyposis colon cancer (HNPCC). Also called: Hereditary nonpolyposis colorectal cancer; Familial nonpolyposis colon cancer; Hereditary Nonpolyposis Colorectal Cancer Syndrome. Identifiers: Orphanet 443909, MedGen C1333990, MONDO:0018630. Disease mechanism: loss of function.
Lynch syndrome. Identifiers: Orphanet 144, MedGen C4552100, MONDO:0005835. Disease mechanism: loss of function.
Hereditary cancer-predisposing syndrome. Also called: Neoplastic Syndromes, Hereditary; Hereditary Cancer Syndrome; Tumor predisposition; Hereditary neoplastic syndrome. Identifiers: Orphanet 140162, MedGen C0027672, MeSH D009386, MONDO:0015356.
Endometrial carcinoma. Also called: Endometrial carcinoma, somatic. Identifiers: MedGen C0476089, MONDO:0002447, OMIM 608089, HP:0012114.
MSH6-related disorder. Also called: MSH6-Related disorders; MSH6-related condition.
Lynch syndrome 5 (LYNCH5). Also called: Colorectal cancer, hereditary nonpolyposis, type 5; Hereditary non-polyposis colorectal cancer, type 5. Identifiers: Orphanet 144, MedGen C1833477, MONDO:0013710, OMIM 614350. Disease mechanism: loss of function.
Hereditary nonpolyposis colorectal neoplasms. Identifiers: MedGen C0009405, MeSH D003123.

gnomAD v4.1: 4 of 1,606,938 alleles (0.00025%); highest among the groups gnomAD compares: Non-Finnish European, 0.00034%; no homozygotes.

Submissions 1 to 8 of 21:

International Society for Gastrointestinal Hereditary Tumours (InSiGHT)
Classification: Pathogenic for Lynch Syndrome. Last evaluated: 2013-09-05. Review status: reviewed by expert panel. Criteria: Guidelines v1.9. Collection method: research. Allele origin: germline.
Comment: Multifactorial likelihood analysis posterior probability >0.99

Classified with v1.9 guidelines

Center for Genomic Medicine, Rigshospitalet, Copenhagen University Hospital
Classification: Pathogenic. Last evaluated: 2025-12-29. Review status: criteria provided, single submitter. Criteria: ACMG Guidelines, 2015. Collection method: clinical testing. Allele origin: germline. Not counted in ClinVar's aggregate classification.

Labcorp Genetics (formerly Invitae), Labcorp
Classification: Pathogenic for Hereditary nonpolyposis colorectal neoplasms. Last evaluated: 2025-12-09. Review status: criteria provided, single submitter. Criteria: Invitae Variant Classification Sherloc (09022015). Collection method: clinical testing. Allele origin: germline. Not counted in ClinVar's aggregate classification.
Comment: This sequence change replaces arginine, which is basic and polar, with glutamine, which is neutral and polar, at codon 1334 of the MSH6 protein (p.Arg1334Gln). RNA analysis indicates that this missense change induces altered splicing and likely disrupts the C-terminus of the protein. This variant is not present in population databases (gnomAD no frequency). This missense change has been observed in individual(s) with clinical features of Lynch syndrome (PMID: 10508506, 15236168, 17453009, 21081928, 21836479, 26681312). It has also been observed to segregate with disease in related individuals. Invitae Evidence Modeling of clinical and family history, age, sex, and reported ancestry of multiple individuals with this MSH6 variant has been performed. This variant is expected to be pathogenic with a positive predictive value of at least 99%. This is a validated machine learning model that incorporates the clinical features of 1,627,235 individuals referred to our laboratory for MSH6 testing. ClinVar contains an entry for this variant (Variation ID: 89506). An algorithm developed specifically for the MSH6 gene suggests that this missense change is likely to be tolerated (PMID: 23621914). Variants that disrupt the consensus splice site are a relatively common cause of aberrant splicing (PMID: 17576681, 9536098). Studies have shown that this missense change results in skipping of exon 9 and introduces a new termination codon (internal data). However the mRNA is not expected to undergo nonsense-mediated decay. For these reasons, this variant has been classified as Pathogenic.

Ambry Genetics
Classification: Pathogenic for Hereditary cancer-predisposing syndrome. Last evaluated: 2025-07-21. Review status: criteria provided, single submitter. Criteria: Ambry Variant Classification Scheme 2023. Collection method: clinical testing. Allele origin: germline. Not counted in ClinVar's aggregate classification.
Comment: The c.4001G>A (p.R1334Q) alteration is located in exon 9 (coding exon 9) of the MSH6 gene. This alteration results from a G to A substitution at nucleotide position 4001, causing the arginine (R) at amino acid position 1334 to be replaced by a glutamine (Q). However, this change occurs in the last base pair of coding exon 9, which makes it likely to have some effect on normal mRNA splicing. This variant was not reported in population-based cohorts in the Genome Aggregation Database (gnomAD). This variant has been reported in multiple Lynch syndrome patients as well as families and this variant segregated with disease in these families (Wijnen, 1999; Gille, 2002; Overbeek, 2007; Lagerstedt-Robinson, 2016). Functional studies have demonstrated the pathogenicity of this variant (Houlleberghs, 2017). In silico splice site analysis predicts that this alteration will weaken the native splice donor site and RNA studies have demonstrated that this alteration results in abnormal splicing in the set of samples tested (Ambry internal data). Based on the available evidence, this alteration is classified as pathogenic.

Color Diagnostics, LLC DBA Color Health
Classification: Pathogenic for Hereditary cancer-predisposing syndrome. Last evaluated: 2025-06-12. Review status: criteria provided, single submitter. Criteria: ACMG Guidelines, 2015. Collection method: clinical testing. Allele origin: germline. Not counted in ClinVar's aggregate classification.
Comment: This variant causes a G>A nucleotide substitution at the last nucleotide of exon 9 of the MSH6 gene. Splice site prediction tools suggest that this variant may impact RNA splicing. A RT-PCR analysis of RNA derived from two carriers has reported out-of-frame skipping of exon 9 (UMD database). This variant is expected to result in an absent or non-functional protein product. This variant has been reported in individuals affected with Lynch syndrome (PMID: 12547705, 17453009, 18566915, 27601186UMD database) and in individuals affected with endometrial cancer (PMID: 33467402) and colorectal cancer (PMID: 26681312). Multifactorial likelihood model using health history, in silico, and experimental data has suggested this variant has a high probability of being pathogenic (InSiGHT database). This variant has not been identified in the general population by the Genome Aggregation Database (gnomAD). Loss of MSH6 function is a known mechanism of disease. Based on the available evidence, this variant is classified as Pathogenic.

Mayo Clinic Laboratories, Mayo Clinic
Classification: Pathogenic. Last evaluated: 2025-03-17. Review status: criteria provided, single submitter. Criteria: ACMG Guidelines, 2015. Collection method: clinical testing. Allele origin: germline. Observed: 2 variant alleles. Not counted in ClinVar's aggregate classification.
Comment: PP1_strong, PP3_moderate, PP4_strong, PP5, PM2_supporting

Department of Clinical Genetics, Copenhagen University Hospital, Rigshospitalet
Classification: Likely pathogenic for Lynch syndrome. Last evaluated: 2025-02-04. Review status: criteria provided, single submitter. Criteria: ACMG Guidelines, 2015. Collection method: clinical testing. Allele origin: germline. Not counted in ClinVar's aggregate classification.
Comment: PVS1_MOD; PM2_SUP; PP4; PP1; PS3_SUP

Women's Health and Genetics/Laboratory Corporation of America, LabCorp
Classification: Pathogenic for Hereditary nonpolyposis colon cancer. Last evaluated: 2024-10-31. Review status: criteria provided, single submitter. Criteria: LabCorp Variant Classification Summary - May 2015. Collection method: clinical testing. Allele origin: germline. Not counted in ClinVar's aggregate classification.
Comment: Variant summary: MSH6 c.4001G>A (p.Arg1334Gln) results in a conservative amino acid change in the encoded protein sequence. Three of five in-silico tools predict a damaging effect of the variant on protein function. Computational tools predict a significant impact on normal splicing: Two predict the variant abolishes a canonical 5' splicing donor site. One predicts the variant weakens this site. The variant was absent in 244224 control chromosomes (gnomAD). c.4001G>A has been reported in the literature in multiple individuals affected with Lynch Syndrome (e.g. Wjnen_1999, Susswein_2016, Sun_2019, Yang_2021). These data indicate that the variant is very likely to be associated with disease. The following publications have been ascertained in the context of this evaluation (PMID: 26681312, 31297337, 34178123, 10508506). ClinVar contains an entry for this variant (Variation ID: 89506). Based on the evidence outlined above, the variant was classified as pathogenic.